The following is an entry in ClinVar:

ClinVar aggregate classification (germline): Uncertain significance (1 of 4 stars; one submission).

Submission:

Labcorp Genetics (formerly Invitae), Labcorp
Classification: Uncertain significance. Last evaluated: 2023-04-27. Review status: criteria provided, single submitter. Criteria: Invitae Variant Classification Sherloc (09022015). Collection method: clinical testing. Allele origin: germline.
Comment: This variant is not present in population databases (gnomAD no frequency). In summary, the available evidence is currently insufficient to determine the role of this variant in disease. Therefore, it has been classified as a Variant of Uncertain Significance. Variants that disrupt the consensus splice site are a relatively common cause of aberrant splicing (PMID: 17576681, 9536098). Algorithms developed to predict the effect of sequence changes on RNA splicing suggest that this variant is not likely to affect RNA splicing. This variant has not been reported in the literature in individuals affected with POLA1-related conditions. This sequence change falls in intron 12 of the POLA1 gene. It does not directly change the encoded amino acid sequence of the POLA1 protein. It affects a nucleotide within the consensus splice site.

Literature cited by the submitters: PubMed 17576681; PubMed 9536098.

NM_001330360.2(POLA1):c.1317+3T>C

Gene: POLA1 (DNA polymerase alpha 1, catalytic subunit; plus strand). Cytogenetic location: Xp22.11.
Variant type: single nucleotide variant.
Coding change: c.1317+3T>C on transcript NM_001330360.2 (MANE Select); 3 bases into the intron after coding-DNA position 1317, T replaced by C.
Molecular consequence: intron variant.
Genome position (GRCh38, 1-based): chrX:24,724,454, T>C. VCF-style: chrX-24724454-T-C. GRCh37 (hg19) VCF-style: chrX-24742571-T-C.
Other names: c.1317+3T>C (NM_001378303.1); c.1299+3T>C (NM_016937.4).
Identifiers: ClinVar variation 2859575 (VCV002859575.3), dbSNP rs2518782978, ClinGen allele CA2739268167.
Genomic context (GRCh38, chrX:24,724,454, plus strand): 5'-TGAGGAATTTGATGAGAAAATAGCAACAAAATATAAAATTATGAAGTTCAAGTCTAAGGT[T>C]TGTATTTGGCGATGATTTTTTTCCAGCTCTGTTTGTTGTTTATTTTCTGATTTAGCAAAT-3'